The following is an entry in ClinVar:

ClinVar aggregate classification (germline): Likely benign. Review status: criteria provided, multiple submitters, no conflicts (2 of 4 stars). 3 submissions from 3 submitters: Likely benign (3). Last evaluated 2025-02-10.

Conditions:
Inborn genetic diseases. Identifiers: MedGen C0950123, MeSH D030342.

Allele frequency attached by ClinVar (database versions not stated): gnomAD exomes 0.00003 and 0.00015; ExAC 0.00012; ESP Exome Variant Server 0.00023; gnomAD 0.00036; TOPMed 0.00042; 1000 Genomes Project 0.00060; 1000 Genomes Project 30x 0.00062.
gnomAD v4.1: 99 of 1,494,624 alleles (0.0066%); highest among the groups gnomAD compares: African/African-American, 0.12%; no homozygotes.

Submissions (3):

Women's Health and Genetics/Laboratory Corporation of America, LabCorp
Classification: Likely benign. Last evaluated: 2025-02-10. Review status: criteria provided, single submitter. Criteria: LabCorp Variant Classification Summary - May 2015. Collection method: clinical testing. Allele origin: germline.
Comment: Variant summary: KMT2C c.12817C>T (p.Pro4273Ser) results in a non-conservative amino acid change in the encoded protein sequence. Three of five in-silico tools predict a benign effect of the variant on protein function. The variant allele was found at a frequency of 0.00015 in 170040 control chromosomes, predominantly at a frequency of 0.0013 within the African or African-American subpopulation in the gnomAD database. The observed variant frequency within African or African-American control individuals in the gnomAD database exceeds the estimated maximal expected allele frequency for a pathogenic variant in KMT2C causing Kleefstra Syndrome 2 phenotype. To our knowledge, no occurrence of c.12817C>T in individuals affected with Kleefstra Syndrome 2 and no experimental evidence demonstrating its impact on protein function have been reported. ClinVar contains an entry for this variant (Variation ID: 1596352). Based on the evidence outlined above, the variant was classified as likely benign.

Labcorp Genetics (formerly Invitae), Labcorp
Classification: Likely benign. Last evaluated: 2024-11-14. Review status: criteria provided, single submitter. Criteria: Invitae Variant Classification Sherloc (09022015). Collection method: clinical testing. Allele origin: germline.

Ambry Genetics
Classification: Likely benign for Inborn genetic diseases. Last evaluated: 2022-05-14. Review status: criteria provided, single submitter. Criteria: Ambry Variant Classification Scheme 2023. Collection method: clinical testing. Allele origin: germline.

NM_170606.3(KMT2C):c.12817C>T (p.Pro4273Ser)

Gene: KMT2C (lysine methyltransferase 2C; minus strand). Cytogenetic location: 7q36.1.
Variant type: single nucleotide variant.
Coding change: c.12817C>T on transcript NM_170606.3 (MANE Select); coding-DNA position 12817, C replaced by T.
Protein change: p.Pro4273Ser; replaces proline 4273 with serine.
Molecular consequence: missense variant.
Genome position (GRCh38, 1-based): chr7:152,149,110, G>A on the plus strand (C>T on the coding strand, the complement: KMT2C is on the minus strand). VCF-style: chr7-152149110-G-A. GRCh37 (hg19) VCF-style: chr7-151846195-G-A.
Other names: c.12817C>T (NM_170606.2); short protein forms P4273S.
Identifiers: ClinVar variation 1596352 (VCV001596352.10), dbSNP rs145997023, ClinGen allele CA4578706.